The following is an entry in ClinVar:

ClinVar aggregate classification (germline): Likely benign (1 of 4 stars; one submission).

Allele frequency attached by ClinVar (database versions not stated): TOPMed 0.00010; 1000 Genomes Project 30x 0.00125; 1000 Genomes Project 0.00140; gnomAD 0.00339 and 0.00361.

Submission:

GeneDx
Classification: Likely benign. Last evaluated: 2018-06-14. Review status: criteria provided, single submitter. Criteria: GeneDx Variant Classification (06012015). Collection method: clinical testing. Allele origin: germline. Affected: yes.
Comment: This variant is considered likely benign or benign based on one or more of the following criteria: it is a conservative change, it occurs at a poorly conserved position in the protein, it is predicted to be benign by multiple in silico algorithms, and/or has population frequency not consistent with disease.

NM_014244.5(ADAMTS2):c.1630-251del

Gene: ADAMTS2 (ADAM metallopeptidase with thrombospondin type 1 motif 2; minus strand). Cytogenetic location: 5q35.3.
Variant type: Deletion.
Coding change: c.1630-251del on transcript NM_014244.5 (MANE Select); 251 bases into the intron before coding-DNA position 1630, one base deleted (T; older notation c.1630-251delT).
Molecular consequence: intron variant.
Genome position (GRCh38, 1-based): chr5:179,140,286, A deleted on the plus strand (T on the coding strand, the reverse complement: ADAMTS2 is on the minus strand). VCF-style (leftmost placement, unchanged base first): chr5-179140285-TA-T. GRCh37 (hg19) VCF-style: chr5-178567286-TA-T.
Identifiers: ClinVar variation 673235 (VCV000673235.1), dbSNP rs543925168, ClinGen allele CA133040512.